The following is an entry in ClinVar:

NM_001371928.1(AHDC1):c.3647G>T (p.Gly1216Val)

Gene: AHDC1 (AT-hook DNA binding motif containing 1; minus strand). Cytogenetic location: 1p36.11.
Variant type: single nucleotide variant.
Coding change: c.3647G>T on transcript NM_001371928.1 (MANE Select); coding-DNA position 3647, G replaced by T.
Protein change: p.Gly1216Val; replaces glycine 1216 with valine.
Molecular consequence: missense variant.
Genome position (GRCh38, 1-based): chr1:27,548,469, C>A on the plus strand (G>T on the coding strand, the complement: AHDC1 is on the minus strand). VCF-style: chr1-27548469-C-A. GRCh37 (hg19) VCF-style: chr1-27874980-C-A.
Other names: c.3647G>T, p.Gly1216Val (NM_001029882.3); c.-397G>T (NM_015699.1); short protein forms G1216V.
Identifiers: ClinVar variation 1978535 (VCV001978535.4), dbSNP rs2521854321, ClinGen allele CA339225633.
Genomic context (GRCh38, chr1:27,548,469, plus strand): 5'-CGCCGTCCACGGCCCGGCTTGGAGCTACTCTGAAAGAGGACACTCTGGTTCCAGTTGTAG[C>A]CGGGGGCAGATGATGCCTCGTTCCAGTCCATCATCAGTTTCTCCAGGCTGGACAGGCTCG-3'
Protein context (NP_001358857.1, residues 1206-1226): MDWNEASSAP[Gly1216Val]YNWNQSVLFQ

ClinVar aggregate classification (germline): Uncertain significance (1 of 4 stars; one submission).

Submission:

Labcorp Genetics (formerly Invitae), Labcorp
Classification: Uncertain significance. Last evaluated: 2022-04-18. Review status: criteria provided, single submitter. Criteria: Invitae Variant Classification Sherloc (09022015). Collection method: clinical testing. Allele origin: germline.
Comment: In summary, the available evidence is currently insufficient to determine the role of this variant in disease. Therefore, it has been classified as a Variant of Uncertain Significance. Algorithms developed to predict the effect of missense changes on protein structure and function are either unavailable or do not agree on the potential impact of this missense change (SIFT: "Deleterious"; PolyPhen-2: "Probably Damaging"; Align-GVGD: "Class C0"). This variant has not been reported in the literature in individuals affected with AHDC1-related conditions. This variant is not present in population databases (gnomAD no frequency). This sequence change replaces glycine, which is neutral and non-polar, with valine, which is neutral and non-polar, at codon 1216 of the AHDC1 protein (p.Gly1216Val).